The following is an entry in ClinVar:

ClinVar aggregate classification (germline): Uncertain significance (1 of 4 stars; one submission).

Conditions:
Hereditary cancer-predisposing syndrome. Also called: Neoplastic Syndromes, Hereditary; Tumor predisposition; Hereditary Cancer Syndrome; Hereditary neoplastic syndrome. Identifiers: Orphanet 140162, MedGen C0027672, MeSH D009386, MONDO:0015356.

gnomAD v4.1: 2 of 1,610,002 alleles (0.00012%); highest among the groups gnomAD compares: South Asian, 0.0011%; no homozygotes.

Submission:

Color Diagnostics, LLC DBA Color Health
Classification: Uncertain significance for Hereditary cancer-predisposing syndrome. Last evaluated: 2023-11-01. Review status: criteria provided, single submitter. Criteria: ACMG Guidelines, 2015. Collection method: clinical testing. Allele origin: germline.
Comment: This variant is located in the 5' untranslated region of the RAD51D gene. To our knowledge, functional studies have not been reported for this variant. This variant has not been reported in individuals affected with hereditary cancer in the literature. This variant has not been identified in the general population by the Genome Aggregation Database (gnomAD). The available evidence is insufficient to determine the role of this variant in disease conclusively. Therefore, this variant is classified as a Variant of Uncertain Significance.

NM_002878.4(RAD51D):c.-8C>T

Genes: RAD51L3-RFFL (RAD51L3-RFFL readthrough; minus strand), RAD51D (RAD51 paralog D; minus strand). Cytogenetic location: 17q12.
Variant type: single nucleotide variant.
Coding change: c.-8C>T on transcript NM_002878.4 (MANE Select); 8 bases upstream of the start codon, C replaced by T.
Molecular consequence: 5 prime UTR variant. On other transcripts: non-coding transcript variant (2).
Genome position (GRCh38, 1-based): chr17:35,119,621, G>A on the plus strand (C>T on the coding strand, the complement: RAD51D is on the minus strand). VCF-style: chr17-35119621-G-A. GRCh37 (hg19) VCF-style: chr17-33446640-G-A.
Other names: c.-8C>T (NM_001142571.2, NM_133629.3).
Identifiers: ClinVar variation 919624 (VCV000919624.4), dbSNP rs2091800249, ClinGen allele CA913188851.
Genomic context (GRCh38, chr17:35,119,621, plus strand): 5'-TGGATCATCTCCTCGGTAAGGCCAGGGCACAGTCCGACCCTGAGCACGCCCATGTTCCCC[G>A]CAGGCCGGAACAGCCCCAGGGGGACTGCACGTCACGTGGGCATTCGCGGGGGGTCCTCTC-3'